The following is an entry in ClinVar:

ClinVar aggregate classification (germline): Uncertain significance (1 of 4 stars; one submission).

Allele frequency attached by ClinVar (database versions not stated): gnomAD exomes below 0.00001.
gnomAD v4.1: 1 of 1,611,366 alleles (0.000062%); highest among the groups gnomAD compares: Non-Finnish European, 0.000085%; no homozygotes.

Submission:

Labcorp Genetics (formerly Invitae), Labcorp
Classification: Uncertain significance. Last evaluated: 2024-10-29. Review status: criteria provided, single submitter. Criteria: Invitae Variant Classification Sherloc (09022015). Collection method: clinical testing. Allele origin: germline.
Comment: This sequence change replaces tyrosine, which is neutral and polar, with cysteine, which is neutral and slightly polar, at codon 150 of the KCNC3 protein (p.Tyr150Cys). This variant is not present in population databases (gnomAD no frequency). This variant has not been reported in the literature in individuals affected with KCNC3-related conditions. Invitae Evidence Modeling of protein sequence and biophysical properties (such as structural, functional, and spatial information, amino acid conservation, physicochemical variation, residue mobility, and thermodynamic stability) indicates that this missense variant is expected to disrupt KCNC3 protein function with a positive predictive value of 95%. In summary, the available evidence is currently insufficient to determine the role of this variant in disease. Therefore, it has been classified as a Variant of Uncertain Significance.

NM_004977.3(KCNC3):c.449A>G (p.Tyr150Cys)

Gene: KCNC3 (potassium voltage-gated channel subfamily C member 3; minus strand). Cytogenetic location: 19q13.33.
Variant type: single nucleotide variant.
Coding change: c.449A>G on transcript NM_004977.3 (MANE Select); coding-DNA position 449, A replaced by G.
Protein change: p.Tyr150Cys; replaces tyrosine 150 with cysteine.
Molecular consequence: missense variant.
Genome position (GRCh38, 1-based): chr19:50,328,634, T>C on the plus strand (A>G on the coding strand, the complement: KCNC3 is on the minus strand). VCF-style: chr19-50328634-T-C. GRCh37 (hg19) VCF-style: chr19-50831891-T-C.
Other names: c.221A>G, p.Tyr74Cys (NM_001372305.1); short protein forms Y74C, Y150C.
Identifiers: ClinVar variation 2814322 (VCV002814322.3), dbSNP rs2513803963, ClinGen allele CA406955593.